The following is an entry in ClinVar:

NM_004655.4(AXIN2):c.1644G>C (p.Glu548Asp)

Gene: AXIN2 (axin 2; minus strand). Cytogenetic location: 17q24.1.
Variant type: single nucleotide variant.
Coding change: c.1644G>C on transcript NM_004655.4 (MANE Select); coding-DNA position 1644, G replaced by C.
Protein change: p.Glu548Asp; replaces glutamic acid 548 with aspartic acid.
Molecular consequence: missense variant.
Genome position (GRCh38, 1-based): chr17:65,537,392, C>G on the plus strand (G>C on the coding strand, the complement: AXIN2 is on the minus strand). VCF-style: chr17-65537392-C-G. GRCh37 (hg19) VCF-style: chr17-63533510-C-G.
Other names: c.1644G>C (LRG_296t1); c.1644G>C, p.Glu548Asp (NM_001363813.1); short protein forms E548D.
Identifiers: ClinVar variation 653448 (VCV000653448.8), dbSNP rs1060504486, ClinGen allele CA400677034.

ClinVar aggregate classification (germline): Uncertain significance (1 of 4 stars; one submission).

Conditions:
Oligodontia-cancer predisposition syndrome. Also called: TOOTH AGENESIS-COLORECTAL CANCER SYNDROME. Identifiers: Orphanet 300576, MedGen C1837750, MONDO:0012075, OMIM 608615. Disease mechanism: loss of function.

Submission:

Labcorp Genetics (formerly Invitae), Labcorp
Classification: Uncertain significance for Oligodontia-cancer predisposition syndrome. Last evaluated: 2018-07-26. Review status: criteria provided, single submitter. Criteria: Invitae Variant Classification Sherloc (09022015). Collection method: clinical testing. Allele origin: germline.
Comment: This sequence change replaces glutamic acid with aspartic acid at codon 548 of the AXIN2 protein (p.Glu548Asp). The glutamic acid residue is weakly conserved and there is a small physicochemical difference between glutamic acid and aspartic acid. This variant is not present in population databases (ExAC no frequency). This variant has not been reported in the literature in individuals with AXIN2-related disease. Algorithms developed to predict the effect of missense changes on protein structure and function output the following: SIFT: "Tolerated"; PolyPhen-2: "Benign"; Align-GVGD: "Class C0". The aspartic acid amino acid residue is found in multiple mammalian species, suggesting that this missense change does not adversely affect protein function. These predictions have not been confirmed by published functional studies and their clinical significance is uncertain. In summary, the available evidence is currently insufficient to determine the role of this variant in disease. Therefore, it has been classified as a Variant of Uncertain Significance.